The following is an entry in ClinVar:

NM_144670.6(A2ML1):c.4280A>G (p.Asn1427Ser)

Gene: A2ML1 (alpha-2-macroglobulin like 1; plus strand). Cytogenetic location: 12p13.31.
Variant type: single nucleotide variant.
Coding change: c.4280A>G on transcript NM_144670.6 (MANE Select); coding-DNA position 4280, A replaced by G.
Protein change: p.Asn1427Ser; replaces asparagine 1427 with serine.
Molecular consequence: missense variant.
Genome position (GRCh38, 1-based): chr12:8,874,483, A>G. VCF-style: chr12-8874483-A-G. GRCh37 (hg19) VCF-style: chr12-9027079-A-G.
Other names: c.2807A>G, p.Asn936Ser (NM_001282424.3); c.4280A>G (NM_144670.5); short protein forms N1427S, N936S.
Identifiers: ClinVar variation 2539623 (VCV002539623.8), dbSNP rs755394577, ClinGen allele CA6436657.

ClinVar aggregate classification (germline): Uncertain significance. Review status: criteria provided, multiple submitters, no conflicts (2 of 4 stars). 3 submissions from 3 submitters: Uncertain significance (3). Last evaluated 2025-12-24.

Conditions:
A2ML1-related disorder. Also called: A2ML1-related condition.

Allele frequency attached by ClinVar (database versions not stated): ExAC 0.00001; gnomAD exomes 0.00002; TOPMed 0.00002; gnomAD 0.00003; 1000 Genomes Project 30x 0.00016; 1000 Genomes Project 0.00020.
gnomAD v4.1: 39 of 1,614,132 alleles (0.0024%); highest among the groups gnomAD compares: Non-Finnish European, 0.0032%; no homozygotes.

Submissions (3):

Labcorp Genetics (formerly Invitae), Labcorp
Classification: Uncertain significance. Last evaluated: 2025-12-24. Review status: criteria provided, single submitter. Criteria: Invitae Variant Classification Sherloc (09022015). Collection method: clinical testing. Allele origin: germline.
Comment: This sequence change replaces asparagine, which is neutral and polar, with serine, which is neutral and polar, at codon 1427 of the A2ML1 protein (p.Asn1427Ser). This variant is present in population databases (rs755394577, gnomAD 0.002%). This variant has not been reported in the literature in individuals affected with A2ML1-related conditions. ClinVar contains an entry for this variant (Variation ID: 2539623). An algorithm developed to predict the effect of missense changes on protein structure and function (PolyPhen-2) suggests that this variant is likely to be disruptive. In summary, the available evidence is currently insufficient to determine the role of this variant in disease. Therefore, it has been classified as a Variant of Uncertain Significance.

PreventionGenetics, part of Exact Sciences
Classification: Uncertain significance for A2ML1-related condition. Last evaluated: 2025-08-13. Review status: criteria provided, single submitter. Criteria: ACMG Guidelines, 2015. Collection method: clinical testing. Allele origin: germline.
Comment: The A2ML1 c.4280A>G variant is predicted to result in the amino acid substitution p.Asn1427Ser. To our knowledge, this variant has not been reported in the literature. This variant is reported in 0.0018% of alleles in individuals of European (Non-Finnish) descent in gnomAD. At this time, the clinical significance of this variant is uncertain due to the absence of conclusive functional and genetic evidence.

Ambry Genetics
Classification: Uncertain significance. Last evaluated: 2025-04-30. Review status: criteria provided, single submitter. Criteria: Ambry Variant Classification Scheme 2023. Collection method: clinical testing. Allele origin: germline.